The following is an entry in ClinVar:

ClinVar aggregate classification (germline): Likely pathogenic (1 of 4 stars; one submission).

Conditions:
Developmental and epileptic encephalopathy, 12 (DEE12). Identifiers: MedGen C3150988, MONDO:0013389, OMIM 613722.

Submission:

Labcorp Genetics (formerly Invitae), Labcorp
Classification: Likely pathogenic for Developmental and epileptic encephalopathy, 12. Last evaluated: 2022-07-19. Review status: criteria provided, single submitter. Criteria: Invitae Variant Classification Sherloc (09022015). Collection method: clinical testing. Allele origin: germline.
Comment: In summary, the currently available evidence indicates that the variant is pathogenic, but additional data are needed to prove that conclusively. Therefore, this variant has been classified as Likely Pathogenic. Algorithms developed to predict the effect of sequence changes on RNA splicing suggest that this variant may disrupt the consensus splice site. ClinVar contains an entry for this variant (Variation ID: 1481396). This variant has not been reported in the literature in individuals affected with PLCB1-related conditions. This variant is not present in population databases (gnomAD no frequency). This sequence change affects an acceptor splice site in intron 5 of the PLCB1 gene. It is expected to disrupt RNA splicing. Variants that disrupt the donor or acceptor splice site typically lead to a loss of protein function (PMID: 16199547), and loss-of-function variants in PLCB1 are known to be pathogenic (PMID: 24684524).

Literature cited by the submitters: PubMed 16199547; PubMed 24684524.

NM_015192.4(PLCB1):c.465-2A>C

Gene: PLCB1 (phospholipase C beta 1; plus strand). Cytogenetic location: 20p12.3.
Variant type: single nucleotide variant.
Coding change: c.465-2A>C on transcript NM_015192.4 (MANE Select); the canonical splice acceptor site of the intron before coding-DNA position 465, A replaced by C.
Molecular consequence: splice acceptor variant.
Genome position (GRCh38, 1-based): chr20:8,647,898, A>C. VCF-style: chr20-8647898-A-C. GRCh37 (hg19) VCF-style: chr20-8628545-A-C.
Other names: c.465-2A>C (NM_182734.3).
Identifiers: ClinVar variation 1481396 (VCV001481396.6), dbSNP rs2123290747, ClinGen allele CA408262564.